The following is an entry in ClinVar:

NM_000122.2(ERCC3):c.721A>G (p.Lys241Glu)

Gene: ERCC3 (ERCC excision repair 3, TFIIH core complex helicase subunit; minus strand). Cytogenetic location: 2q14.3.
Variant type: single nucleotide variant.
Coding change: c.721A>G on transcript NM_000122.2 (MANE Select); coding-DNA position 721, A replaced by G.
Protein change: p.Lys241Glu; replaces lysine 241 with glutamic acid.
Molecular consequence: missense variant.
Genome position (GRCh38, 1-based): chr2:127,289,438, T>C on the plus strand (A>G on the coding strand, the complement: ERCC3 is on the minus strand). VCF-style: chr2-127289438-T-C. GRCh37 (hg19) VCF-style: chr2-128047014-T-C.
Other names: c.529A>G, p.Lys177Glu (NM_001303416.2, NM_001303418.2); short protein forms K177E, K241E.
Identifiers: ClinVar variation 1483435 (VCV001483435.6), dbSNP rs777749462, ClinGen allele CA1858457.

ClinVar aggregate classification (germline): Uncertain significance (1 of 4 stars; one submission).

Allele frequency attached by ClinVar (database versions not stated): gnomAD 0.00001; ExAC 0.00002; gnomAD exomes 0.00002 and 0.00004; TOPMed 0.00002.
gnomAD v4.1: 13 of 1,612,986 alleles (0.00081%); highest among the groups gnomAD compares: Admixed American, 0.022%; no homozygotes.

Submission:

Labcorp Genetics (formerly Invitae), Labcorp
Classification: Uncertain significance. Last evaluated: 2023-06-22. Review status: criteria provided, single submitter. Criteria: Invitae Variant Classification Sherloc (09022015). Collection method: clinical testing. Allele origin: germline.
Comment: In summary, the available evidence is currently insufficient to determine the role of this variant in disease. Therefore, it has been classified as a Variant of Uncertain Significance. Advanced modeling of protein sequence and biophysical properties (such as structural, functional, and spatial information, amino acid conservation, physicochemical variation, residue mobility, and thermodynamic stability) performed at Invitae indicates that this missense variant is not expected to disrupt ERCC3 protein function. ClinVar contains an entry for this variant (Variation ID: 1483435). This variant has not been reported in the literature in individuals affected with ERCC3-related conditions. This variant is present in population databases (rs777749462, gnomAD 0.03%). This sequence change replaces lysine, which is basic and polar, with glutamic acid, which is acidic and polar, at codon 241 of the ERCC3 protein (p.Lys241Glu).